The following is an entry in ClinVar:

NM_002880.4(RAF1):c.834+630G>A

Gene: RAF1 (Raf-1 proto-oncogene, serine/threonine kinase; minus strand). Cytogenetic location: 3p25.2.
Variant type: single nucleotide variant.
Coding change: c.834+630G>A on transcript NM_002880.4 (MANE Select); 630 bases into the intron after coding-DNA position 834, G replaced by A.
Molecular consequence: intron variant. On other transcripts: nonsense (2).
Genome position (GRCh38, 1-based): chr3:12,603,506, C>T on the plus strand (G>A on the coding strand, the complement: RAF1 is on the minus strand). VCF-style: chr3-12603506-C-T. GRCh37 (hg19) VCF-style: chr3-12645005-C-T.
Other names: c.866G>A, p.Trp289Ter (NM_001354689.3); c.623G>A, p.Trp208Ter (NM_001354694.3); c.492+630G>A (NM_001354695.3); c.591+630G>A (NM_001354692.3, NM_001354691.3); c.735+630G>A (NM_001354693.3); c.834+630G>A (NM_001354690.3); short protein forms W208*, W289*.
Identifiers: ClinVar variation 3772431 (VCV003772431.13).

ClinVar aggregate classification (germline): Uncertain significance (1 of 4 stars; one submission).

gnomAD v4.1: 4 of 701,146 alleles (0.00057%); highest among the groups gnomAD compares: Admixed American, 0.008%; no homozygotes.

Submission:

CeGaT Center for Human Genetics Tuebingen
Classification: Uncertain significance. Last evaluated: 2025-02-01. Review status: criteria provided, single submitter. Criteria: CeGaT Center For Human Genetics Tuebingen Variant Classification Criteria Version 2. Collection method: clinical testing. Allele origin: germline. Affected: yes. Observed: 1 variant allele.
Comment: RAF1: PM2